The following is an entry in ClinVar:

NM_001064.4(TKT):c.1119G>A (p.Ala373=)

Gene: TKT (transketolase; minus strand). Cytogenetic location: 3p21.1.
Variant type: single nucleotide variant.
Coding change: c.1119G>A on transcript NM_001064.4 (MANE Select); coding-DNA position 1119, G replaced by A.
Protein change: p.Ala373=; no amino-acid change (alanine 373 retained).
Molecular consequence: synonymous variant. On other transcripts: non-coding transcript variant (1).
Genome position (GRCh38, 1-based): chr3:53,229,425, C>T on the plus strand (G>A on the coding strand, the complement: TKT is on the minus strand). VCF-style: chr3-53229425-C-T. GRCh37 (hg19) VCF-style: chr3-53263441-C-T.
Other names: c.1119G>A, p.Ala373= (NM_001135055.3); c.1143G>A, p.Ala381= (NM_001258028.2).
Identifiers: ClinVar variation 3904992 (VCV003904992.10).
Genomic context (GRCh38, chr3:53,229,425, plus strand): 5'-GAAGAAGGCTGCAAAAGTGCTGCAGAAGGGCACCGTCCTGTTGCGGGTGGCACAGCCCAC[C>T]GCGATGCTCACCTGGGGGCAGGTGGGACAGGGTCAGCCCAAAGGGGCAGGCAGAGGGTGG-3'
Protein context (NP_001055.1, residues 363-383): YIAEQNMVSI[Ala373=]VGCATRNRTV

ClinVar aggregate classification (germline): Likely benign (1 of 4 stars; one submission).

gnomAD v4.1: 25 of 1,606,838 alleles (0.0016%); highest among the groups gnomAD compares: Middle Eastern, 0.017%; no homozygotes.

Submission:

CeGaT Center for Human Genetics Tuebingen
Classification: Likely benign. Last evaluated: 2025-05-01. Review status: criteria provided, single submitter. Criteria: CeGaT Center For Human Genetics Tuebingen Variant Classification Criteria Version 2. Collection method: clinical testing. Allele origin: germline. Affected: yes. Observed: 1 variant allele.
Comment: TKT: BP4, BP7